The following is an entry in ClinVar:

ClinVar aggregate classification (germline): Uncertain significance. Review status: criteria provided, multiple submitters, no conflicts (2 of 4 stars). 3 submissions from 3 submitters: Uncertain significance (3). Last evaluated 2025-11-25.

Conditions:
Primary dilated cardiomyopathy (DCM). Also called: Dilated Cardiomyopathy. Identifiers: Orphanet 217604, MedGen C0007193, MeSH D002311, MONDO:0005021, HP:0001644. Inheritance: Various modes of inheritance.

Allele frequency attached by ClinVar (database versions not stated): gnomAD 0.00002; TOPMed 0.00007; ExAC 0.00012.
gnomAD v4.1: 60 of 1,613,980 alleles (0.0037%); highest among the groups gnomAD compares: Middle Eastern, 0.016%; no homozygotes.

Submissions (3):

Labcorp Genetics (formerly Invitae), Labcorp
Classification: Uncertain significance for Primary dilated cardiomyopathy. Last evaluated: 2025-11-25. Review status: criteria provided, single submitter. Criteria: Invitae Variant Classification Sherloc (09022015). Collection method: clinical testing. Allele origin: germline.
Comment: This sequence change replaces valine, which is neutral and non-polar, with methionine, which is neutral and non-polar, at codon 829 of the NEBL protein (p.Val829Met). This variant is present in population databases (rs727504979, gnomAD 0.01%). This variant has not been reported in the literature in individuals affected with NEBL-related conditions. ClinVar contains an entry for this variant (Variation ID: 179598). An algorithm developed to predict the effect of missense changes on protein structure and function (PolyPhen-2) suggests that this variant is likely to be disruptive. In summary, the available evidence is currently insufficient to determine the role of this variant in disease. Therefore, it has been classified as a Variant of Uncertain Significance.

Ambry Genetics
Classification: Uncertain significance. Last evaluated: 2024-03-31. Review status: criteria provided, single submitter. Criteria: Ambry Variant Classification Scheme 2023. Collection method: clinical testing. Allele origin: germline.

Laboratory for Molecular Medicine, Mass General Brigham Personalized Medicine
Classification: Uncertain significance. Last evaluated: 2014-03-14. Review status: criteria provided, single submitter. Criteria: LMM Criteria. Collection method: clinical testing. Allele origin: germline. Observed: 1 variant allele.
Comment: Variant classified as Uncertain Significance - Favor Benign. The Val829Met varia nt in NEBL has not been previously reported in individuals with cardiomyopathy o r in large population studies. Computational prediction tools and conservation analysis do not provide strong support for or against an impact to the protein, though 2 fish species carry a methionine (Met) at this position, raising the pos sibility that this change may be tolerated. Additional information is needed to fully assess the clinical significance of the Val829Met variant.

NM_006393.3(NEBL):c.2485G>A (p.Val829Met)

Gene: NEBL (nebulette; minus strand). Cytogenetic location: 10p12.31.
Variant type: single nucleotide variant.
Coding change: c.2485G>A on transcript NM_006393.3 (MANE Select); coding-DNA position 2485, G replaced by A.
Protein change: p.Val829Met; replaces valine 829 with methionine.
Molecular consequence: missense variant.
Genome position (GRCh38, 1-based): chr10:20,812,802, C>T on the plus strand (G>A on the coding strand, the complement: NEBL is on the minus strand). VCF-style: chr10-20812802-C-T. GRCh37 (hg19) VCF-style: chr10-21101731-C-T.
Other names: c.496G>A, p.Val166Met (NM_001173484.2, NM_001377322.1, NM_213569.2); c.448G>A, p.Val150Met (NM_001377323.1); c.439G>A, p.Val147Met (NM_001377324.1); c.430G>A, p.Val144Met (NM_001377325.1); c.388G>A, p.Val130Met (NM_001377326.1, NM_001377327.1, NM_001377328.1); short protein forms V166M, V829M, V144M, V130M, V147M, V150M.
Identifiers: ClinVar variation 179598 (VCV000179598.16), dbSNP rs727504979, ClinGen allele CA184747.